The following is an entry in ClinVar:

ClinVar aggregate classification (germline): Uncertain significance. Review status: criteria provided, multiple submitters, no conflicts (2 of 4 stars). 2 submissions from 2 submitters: Uncertain significance (2). Last evaluated 2026-06-22.

Conditions:
BAP1-related tumor predisposition syndrome (TPDS1). Also called: TUMOR PREDISPOSITION SYNDROME 1; COMMON Syndrome; BAP1 tumor predisposition syndrome; Tumor susceptibility linked to germline BAP1 mutations. Identifiers: Orphanet 289539, MedGen C3280492, MONDO:0013692, OMIM 614327.
Hereditary cancer-predisposing syndrome. Also called: Hereditary Cancer Syndrome; Hereditary neoplastic syndrome; Neoplastic Syndromes, Hereditary; Tumor predisposition. Identifiers: Orphanet 140162, MedGen C0027672, MeSH D009386, MONDO:0015356.

Submissions (2):

Ambry Genetics
Classification: Uncertain significance for Hereditary cancer-predisposing syndrome. Last evaluated: 2026-06-22. Review status: criteria provided, single submitter. Criteria: Ambry Variant Classification Scheme 2023. Collection method: clinical testing. Allele origin: germline.
Comment: The p.D184H variant (also known as c.550G>C), located in coding exon 7 of the BAP1 gene, results from a G to C substitution at nucleotide position 550. The aspartic acid at codon 184 is replaced by histidine, an amino acid with similar properties. This alteration was non-functional in a high throughput genome editing haploid cell survival assay (Waters, AJ et al. Nat Genet 2024 Jul;56(7):1434-1445.) This amino acid position is highly conserved in available vertebrate species. In addition, this alteration is predicted to be deleterious by in silico analysis. Based on the available evidence, the clinical significance of this alteration remains unclear.

Labcorp Genetics (formerly Invitae), Labcorp
Classification: Uncertain significance for BAP1-related tumor predisposition syndrome. Last evaluated: 2023-08-11. Review status: criteria provided, single submitter. Criteria: Invitae Variant Classification Sherloc (09022015). Collection method: clinical testing. Allele origin: germline.
Comment: In summary, the available evidence is currently insufficient to determine the role of this variant in disease. Therefore, it has been classified as a Variant of Uncertain Significance. Advanced modeling of protein sequence and biophysical properties (such as structural, functional, and spatial information, amino acid conservation, physicochemical variation, residue mobility, and thermodynamic stability) has been performed at Invitae for this missense variant, however the output from this modeling did not meet the statistical confidence thresholds required to predict the impact of this variant on BAP1 protein function. This variant has not been reported in the literature in individuals affected with BAP1-related conditions. This variant is not present in population databases (gnomAD no frequency). This sequence change replaces aspartic acid, which is acidic and polar, with histidine, which is basic and polar, at codon 184 of the BAP1 protein (p.Asp184His).

Literature cited by the submitters: PubMed 38969833 (cited by Ambry Genetics).

NM_004656.4(BAP1):c.550G>C (p.Asp184His)

Gene: BAP1 (BRCA1 associated deubiquitinase 1; minus strand). Cytogenetic location: 3p21.1.
Variant type: single nucleotide variant.
Coding change: c.550G>C on transcript NM_004656.4 (MANE Select); coding-DNA position 550, G replaced by C.
Protein change: p.Asp184His; replaces aspartic acid 184 with histidine.
Molecular consequence: missense variant.
Genome position (GRCh38, 1-based): chr3:52,407,204, C>G on the plus strand (G>C on the coding strand, the complement: BAP1 is on the minus strand). VCF-style: chr3-52407204-C-G. GRCh37 (hg19) VCF-style: chr3-52441220-C-G.
Other names: c.550G>C, p.Asp184His (NM_001410772.1); short protein forms D184H.
Identifiers: ClinVar variation 2751819 (VCV002751819.5), dbSNP rs2153227789, ClinGen allele CA353109644.